The following is an entry in ClinVar:

NM_001286.5(CLCN6):c.2186A>T (p.Asp729Val)

Gene: CLCN6 (chloride voltage-gated channel 6; plus strand). Cytogenetic location: 1p36.22.
Variant type: single nucleotide variant.
Coding change: c.2186A>T on transcript NM_001286.5 (MANE Select); coding-DNA position 2186, A replaced by T.
Protein change: p.Asp729Val; replaces aspartic acid 729 with valine.
Molecular consequence: missense variant. On other transcripts: non-coding transcript variant (1).
Genome position (GRCh38, 1-based): chr1:11,837,390, A>T. VCF-style: chr1-11837390-A-T. GRCh37 (hg19) VCF-style: chr1-11897447-A-T.
Other names: c.2120A>T, p.Asp707Val (NM_001256959.2); short protein forms D707V, D729V.
Identifiers: ClinVar variation 1416725 (VCV001416725.6), dbSNP rs2100659140, ClinGen allele CA338440761.

ClinVar aggregate classification (germline): Uncertain significance (1 of 4 stars; one submission).

Allele frequency attached by ClinVar (database versions not stated): gnomAD exomes below 0.00001.
gnomAD v4.1: 1 of 1,614,098 alleles (0.000062%); highest among the groups gnomAD compares: Admixed American, 0.0017%; no homozygotes.

Submission:

Labcorp Genetics (formerly Invitae), Labcorp
Classification: Uncertain significance. Last evaluated: 2023-07-03. Review status: criteria provided, single submitter. Criteria: Invitae Variant Classification Sherloc (09022015). Collection method: clinical testing. Allele origin: germline.
Comment: In summary, the available evidence is currently insufficient to determine the role of this variant in disease. Therefore, it has been classified as a Variant of Uncertain Significance. An algorithm developed to predict the effect of missense changes on protein structure and function (PolyPhen-2) suggests that this variant is likely to be tolerated. ClinVar contains an entry for this variant (Variation ID: 1416725). This variant has not been reported in the literature in individuals affected with CLCN6-related conditions. This variant is not present in population databases (gnomAD no frequency). This sequence change replaces aspartic acid, which is acidic and polar, with valine, which is neutral and non-polar, at codon 729 of the CLCN6 protein (p.Asp729Val).